The following is an entry in ClinVar:

NM_145068.4(TRPV3):c.*58C>T

Gene: TRPV3 (transient receptor potential cation channel subfamily V member 3; minus strand). Cytogenetic location: 17p13.2.
Variant type: single nucleotide variant.
Coding change: c.*58C>T on transcript NM_145068.4 (MANE Select); 58 bases downstream of the stop codon, C replaced by T.
Molecular consequence: 3 prime UTR variant.
Genome position (GRCh38, 1-based): chr17:3,513,859, G>A on the plus strand (C>T on the coding strand, the complement: TRPV3 is on the minus strand). VCF-style: chr17-3513859-G-A. GRCh37 (hg19) VCF-style: chr17-3417153-G-A.
Other names: c.*58C>T (NM_001258205.2).
Identifiers: ClinVar variation 322747 (VCV000322747.5), dbSNP rs188455894, ClinGen allele CA10649906.
Genomic context (GRCh38, chr17:3,513,859, plus strand): 5'-CTGCTTCTAGGCCAGCAGAGCCGGACTCCACCATCCCTCAAAGCCTCTCTGCACAGAGTC[G>A]GTGACTCCGCCTGCAGCGCCAGACAGCGCACGCGCACACCAGCTCTGGGTTCCGCTTCTA-3'

ClinVar aggregate classification (germline): Benign (1 of 4 stars; one submission).

Conditions:
Isolated focal non-epidermolytic palmoplantar keratoderma. Also called: Palmoplantar keratoderma, nonepidermolytic, focal 2. Identifiers: Orphanet 448264, MedGen C4225339, MONDO:0014622, OMIM 616400.

Allele frequency attached by ClinVar (database versions not stated): 1000 Genomes Project 30x 0.00234; 1000 Genomes Project 0.00260; gnomAD 0.00363; TOPMed 0.00408.
gnomAD v4.1: 1,009 of 1,454,680 alleles (0.069%); highest among the groups gnomAD compares: African/African-American, 1.3%; 12 homozygotes.

Submission:

Illumina Laboratory Services, Illumina
Classification: Benign for Isolated focal non-epidermolytic palmoplantar keratoderma. Last evaluated: 2018-01-13. Review status: criteria provided, single submitter. Criteria: ICSL Variant Classification Criteria 13 December 2019. Collection method: clinical testing. Allele origin: germline.
Comment: This variant was observed in the ICSL laboratory as part of a predisposition screen in an ostensibly healthy population. It had not been previously curated by ICSL or reported in the Human Gene Mutation Database (HGMD: prior to June 1st, 2018), and was therefore a candidate for classification through an automated scoring system. Utilizing variant allele frequency, disease prevalence and penetrance estimates, and inheritance mode, an automated score was calculated to assess if this variant is too frequent to cause the disease. Based on the score and internal cut-off values, a variant classified as benign is not then subjected to further curation. The score for this variant resulted in a classification of benign for this disease.